The following is an entry in ClinVar:

ClinVar aggregate classification (germline): Uncertain significance (1 of 4 stars; one submission).

Allele frequency attached by ClinVar (database versions not stated): gnomAD exomes below 0.00001.
gnomAD v4.1: 1 of 1,614,126 alleles (0.000062%); highest among the groups gnomAD compares: Non-Finnish European, 0.000085%; no homozygotes.

Submission:

Ambry Genetics
Classification: Uncertain significance. Last evaluated: 2022-01-10. Review status: criteria provided, single submitter. Criteria: Ambry Variant Classification Scheme 2023. Collection method: clinical testing. Allele origin: germline.
Comment: The p.E764K variant (also known as c.2290G>A), located in coding exon 22 of the KIF1B gene, results from a G to A substitution at nucleotide position 2290. The glutamic acid at codon 764 is replaced by lysine, an amino acid with similar properties. This amino acid position is conserved. In addition, the in silico prediction for this alteration is inconclusive. Since supporting evidence is limited at this time, the clinical significance of this alteration remains unclear.

NM_001365951.3(KIF1B):c.2428G>A (p.Glu810Lys)

Gene: KIF1B (kinesin family member 1B; plus strand). Cytogenetic location: 1p36.22.
Variant type: single nucleotide variant.
Coding change: c.2428G>A on transcript NM_001365951.3 (MANE Select); coding-DNA position 2428, G replaced by A.
Protein change: p.Glu810Lys; replaces glutamic acid 810 with lysine.
Molecular consequence: missense variant.
Genome position (GRCh38, 1-based): chr1:10,323,953, G>A. VCF-style: chr1-10323953-G-A. GRCh37 (hg19) VCF-style: chr1-10384011-G-A.
Other names: c.2428G>A, p.Glu810Lys (NM_001365952.1); c.2290G>A, p.Glu764Lys (NM_015074.3); short protein forms E764K, E810K.
Identifiers: ClinVar variation 1789105 (VCV001789105.2), dbSNP rs2521622562, ClinGen allele CA338334612.
Genomic context (GRCh38, chr1:10,323,953, plus strand): 5'-CAGTTTGTTCTGCTGACTGACACACTGTACTCCCCTTTGCCTCCTGAATTACTTCCCACT[G>A]AGATGGAAAAAACTCATGAGGACAGGCCTTTCCCTCGCACAGTGGTAGCAGTAGAAGTCC-3'
Protein context (NP_001352880.1, residues 800-820): SPLPPELLPT[Glu810Lys]MEKTHEDRPF